The following is an entry in ClinVar:

NM_012469.4(PRPF6):c.1769+11G>A

Gene: PRPF6 (pre-mRNA processing factor 6; plus strand). Cytogenetic location: 20q13.33.
Variant type: single nucleotide variant.
Coding change: c.1769+11G>A on transcript NM_012469.4 (MANE Select); 11 bases into the intron after coding-DNA position 1769, G replaced by A.
Molecular consequence: intron variant.
Genome position (GRCh38, 1-based): chr20:64,022,889, G>A. VCF-style: chr20-64022889-G-A. GRCh37 (hg19) VCF-style: chr20-62654242-G-A.
Identifiers: ClinVar variation 1421360 (VCV001421360.6), dbSNP rs1425741561, ClinGen allele CA636619377.

ClinVar aggregate classification (germline): Uncertain significance (1 of 4 stars; one submission).

Allele frequency attached by ClinVar (database versions not stated): gnomAD 0.00001.
gnomAD v4.1: 2 of 1,613,796 alleles (0.00012%); highest among the groups gnomAD compares: African/African-American, 0.0013%; no homozygotes.

Submission:

Labcorp Genetics (formerly Invitae), Labcorp
Classification: Uncertain significance. Last evaluated: 2021-10-16. Review status: criteria provided, single submitter. Criteria: Invitae Variant Classification Sherloc (09022015). Collection method: clinical testing. Allele origin: germline.
Comment: This sequence change falls in intron 13 of the PRPF6 gene. It does not directly change the encoded amino acid sequence of the PRPF6 protein. This variant is not present in population databases (ExAC no frequency). This variant has not been reported in the literature in individuals affected with PRPF6-related conditions. Algorithms developed to predict the effect of sequence changes on RNA splicing suggest that this variant may create or strengthen a splice site. In summary, the available evidence is currently insufficient to determine the role of this variant in disease. Therefore, it has been classified as a Variant of Uncertain Significance.